The following is an entry in ClinVar:

NM_031407.7(HUWE1):c.5528G>A (p.Arg1843His)

Gene: HUWE1 (HECT, UBA and WWE domain containing E3 ubiquitin protein ligase 1; minus strand). Cytogenetic location: Xp11.22.
Variant type: single nucleotide variant.
Coding change: c.5528G>A on transcript NM_031407.7 (MANE Select); coding-DNA position 5528, G replaced by A.
Protein change: p.Arg1843His; replaces arginine 1843 with histidine.
Molecular consequence: missense variant.
Genome position (GRCh38, 1-based): chrX:53,581,019, C>T on the plus strand (G>A on the coding strand, the complement: HUWE1 is on the minus strand). VCF-style: chrX-53581019-C-T. GRCh37 (hg19) VCF-style: chrX-53607979-C-T.
Other names: c.5528G>A (NM_031407.4); short protein forms R1843H.
Identifiers: ClinVar variation 167187 (VCV000167187.7), dbSNP rs727503965, ClinGen allele CA234124.

ClinVar aggregate classification (germline): Uncertain significance. Review status: criteria provided, multiple submitters, no conflicts (2 of 4 stars). 2 submissions from 2 submitters: Uncertain significance (2). Last evaluated 2023-03-22.

Allele frequency attached by ClinVar (database versions not stated): gnomAD exomes below 0.00001.
gnomAD v4.1: 3 of 1,200,087 alleles (0.00025%); highest among the groups gnomAD compares: East Asian, 0.003%; no homozygotes.

Submissions (2):

GeneDx
Classification: Uncertain significance. Last evaluated: 2023-03-22. Review status: criteria provided, single submitter. Criteria: GeneDx Variant Classification Process June 2021. Collection method: clinical testing. Allele origin: germline. Affected: yes.
Comment: Not observed at significant frequency in large population cohorts (gnomAD); In silico analysis supports that this missense variant has a deleterious effect on protein structure/function; Has not been previously published as pathogenic or benign to our knowledge

Eurofins Ntd Llc (ga)
Classification: Uncertain significance. Last evaluated: 2015-06-08. Review status: criteria provided, single submitter. Criteria: EGL Classification Definitions 2015. Collection method: clinical testing. Allele origin: germline. Observed: 3 variant alleles, 1 heterozygote, 2 hemizygotes.